The following is an entry in ClinVar:

ClinVar aggregate classification (germline): Uncertain significance. Review status: criteria provided, multiple submitters, no conflicts (2 of 4 stars). 2 submissions from 2 submitters: Uncertain significance (2). Last evaluated 2025-06-16.

Conditions:
Pheochromocytoma/paraganglioma syndrome 5. Also called: Paragangliomas 5; SDHA-Related Hereditary Paraganglioma-Pheochromocytoma Syndrome. Identifiers: Orphanet 29072, MedGen C3279992, MONDO:0013602, OMIM 614165.
Mitochondrial complex II deficiency, nuclear type 1. Also called: SUCCINATE CoQ REDUCTASE DEFICIENCY. Identifiers: Orphanet 3208, MedGen C5700310, MONDO:0100294, OMIM 252011.
Hereditary cancer-predisposing syndrome. Also called: Tumor predisposition; Neoplastic Syndromes, Hereditary; Hereditary Cancer Syndrome; Hereditary neoplastic syndrome. Identifiers: Orphanet 140162, MedGen C0027672, MeSH D009386, MONDO:0015356.

Submissions (2):

Labcorp Genetics (formerly Invitae), Labcorp
Classification: Uncertain significance for Pheochromocytoma/paraganglioma syndrome 5; Mitochondrial complex II deficiency, nuclear type 1. Last evaluated: 2025-06-16. Review status: criteria provided, single submitter. Criteria: Invitae Variant Classification Sherloc (09022015). Collection method: clinical testing. Allele origin: germline.
Comment: This sequence change replaces glycine, which is neutral and non-polar, with arginine, which is basic and polar, at codon 106 of the SDHA protein (p.Gly106Arg). This variant is not present in population databases (gnomAD no frequency). This missense change has been observed in individual(s) with a personal or family history of paragangliomas and pheochromocytomas (PMID: 22517557). ClinVar contains an entry for this variant (Variation ID: 643622). Invitae Evidence Modeling of protein sequence and biophysical properties (such as structural, functional, and spatial information, amino acid conservation, physicochemical variation, residue mobility, and thermodynamic stability) has been performed for this missense variant. However, the output from this modeling did not meet the statistical confidence thresholds required to predict the impact of this variant on SDHA protein function. Experimental studies have shown that this missense change affects SDHA function (PMID: 28724664). In summary, the available evidence is currently insufficient to determine the role of this variant in disease. Therefore, it has been classified as a Variant of Uncertain Significance.

Ambry Genetics
Classification: Uncertain significance for Hereditary cancer-predisposing syndrome. Last evaluated: 2024-01-24. Review status: criteria provided, single submitter. Criteria: Ambry Variant Classification Scheme 2023. Collection method: clinical testing. Allele origin: germline.
Comment: The p.G106R variant (also known as c.316G>C), located in coding exon 4 of the SDHA gene, results from a G to C substitution at nucleotide position 316. The glycine at codon 106 is replaced by arginine, an amino acid with dissimilar properties. This amino acid position is highly conserved in available vertebrate species. In addition, this alteration is predicted to be deleterious by in silico analysis. Based on the available evidence, the clinical significance of this alteration remains unclear.

Literature cited by the submitters: PubMed 22517557 (cited by Labcorp Genetics (formerly Invitae), Labcorp); PubMed 28724664 (cited by Labcorp Genetics (formerly Invitae), Labcorp).

NM_004168.4(SDHA):c.316G>C (p.Gly106Arg)

Gene: SDHA (succinate dehydrogenase complex flavoprotein subunit A; plus strand). Cytogenetic location: 5p15.33.
Variant type: single nucleotide variant.
Coding change: c.316G>C on transcript NM_004168.4 (MANE Select); coding-DNA position 316, G replaced by C.
Protein change: p.Gly106Arg; replaces glycine 106 with arginine.
Molecular consequence: missense variant. On other transcripts: intron variant (1).
Genome position (GRCh38, 1-based): chr5:225,422, G>C. VCF-style: chr5-225422-G-C. GRCh37 (hg19) VCF-style: chr5-225537-G-C.
Other names: c.316G>C, p.Gly106Arg (NM_001330758.2); c.313-461G>C (NM_001294332.2); c.316G>C (NM_004168.2); short protein forms G106R.
Identifiers: ClinVar variation 643622 (VCV000643622.10), dbSNP rs1579383936, ClinGen allele CA359009186.